The following is an entry in ClinVar:

ClinVar aggregate classification (germline): Conflicting classifications of pathogenicity. Review status: criteria provided, conflicting classifications (1 of 4 stars). 3 submissions from 3 submitters: Uncertain significance (2); Likely benign (1). Last evaluated 2026-05-27.

Conditions:
Renal cell carcinoma. Identifiers: Orphanet 217071, MedGen C0007134, MeSH D002292, MONDO:0005086, HP:0005584.
Hereditary cancer-predisposing syndrome. Also called: Tumor predisposition; Hereditary Cancer Syndrome; Neoplastic Syndromes, Hereditary; Hereditary neoplastic syndrome. Identifiers: Orphanet 140162, MedGen C0027672, MeSH D009386, MONDO:0015356.

Allele frequency attached by ClinVar (database versions not stated): ExAC 0.00001; gnomAD exomes below 0.00001.

Submissions (3):

Women's Health and Genetics/Laboratory Corporation of America, LabCorp
Classification: Uncertain significance. Last evaluated: 2026-05-27. Review status: criteria provided, single submitter. Criteria: LabCorp Variant Classification Summary - May 2015. Collection method: clinical testing. Allele origin: germline.
Comment: Variant summary: MET c.2209A>G (p.Ser737Gly) results in a non-conservative amino acid change located in the 2nd IPT (Ig-like, plexins, transcription factors) domain (IPR002909) of the encoded protein sequence. Algorithms developed to predict the effect of missense changes on protein structure and function are either unavailable or do not agree on the potential impact of this missense change. The variant allele was found at a frequency of 4e-06 in 249220 control chromosomes. The available data on variant occurrences in the general population are insufficient to allow any conclusion about variant significance. c.2209A>G has been observed in individual(s) affected with Urothelial carcinoma (Yang_2021). These report(s) do not provide unequivocal conclusions about association of the variant with disease. To our knowledge, no experimental evidence demonstrating an impact on protein function has been reported. The following publication has been ascertained in the context of this evaluation (PMID: 33588785). ClinVar contains an entry for this variant (Variation ID: 820892). Based on the evidence outlined above, the variant was classified as uncertain significance.

Labcorp Genetics (formerly Invitae), Labcorp
Classification: Uncertain significance for Renal cell carcinoma. Last evaluated: 2025-04-21. Review status: criteria provided, single submitter. Criteria: Invitae Variant Classification Sherloc (09022015). Collection method: clinical testing. Allele origin: germline.
Comment: This sequence change replaces serine, which is neutral and polar, with glycine, which is neutral and non-polar, at codon 737 of the MET protein (p.Ser737Gly). This variant is present in population databases (rs755571526, gnomAD 0.006%). This missense change has been observed in individual(s) with urothelial cancer (PMID: 33588785). ClinVar contains an entry for this variant (Variation ID: 820892). Invitae Evidence Modeling of protein sequence and biophysical properties (such as structural, functional, and spatial information, amino acid conservation, physicochemical variation, residue mobility, and thermodynamic stability) indicates that this missense variant is not expected to disrupt MET protein function with a negative predictive value of 80%. In summary, the available evidence is currently insufficient to determine the role of this variant in disease. Therefore, it has been classified as a Variant of Uncertain Significance.

Ambry Genetics
Classification: Likely benign for Hereditary cancer-predisposing syndrome. Last evaluated: 2025-03-30. Review status: criteria provided, single submitter. Criteria: Ambry Variant Classification Scheme 2023. Collection method: clinical testing. Allele origin: germline.

Literature cited by the submitters: PubMed 33588785 (cited by Women's Health and Genetics/Laboratory Corporation of America, LabCorp and Labcorp Genetics (formerly Invitae), Labcorp).

NM_000245.4(MET):c.2209A>G (p.Ser737Gly)

Gene: MET (MET proto-oncogene, receptor tyrosine kinase; plus strand). Cytogenetic location: 7q31.2.
Variant type: single nucleotide variant.
Coding change: c.2209A>G on transcript NM_000245.4 (MANE Select); coding-DNA position 2209, A replaced by G.
Protein change: p.Ser737Gly; replaces serine 737 with glycine.
Molecular consequence: missense variant.
Genome position (GRCh38, 1-based): chr7:116,758,565, A>G. VCF-style: chr7-116758565-A-G. GRCh37 (hg19) VCF-style: chr7-116398619-A-G.
Other names: c.2209A>G, p.Ser737Gly (NM_001127500.3, NM_001324401.3); c.919A>G, p.Ser307Gly (NM_001324402.2); short protein forms S737G, S307G.
Identifiers: ClinVar variation 820892 (VCV000820892.15), dbSNP rs755571526, ClinGen allele CA4448423.